The following is an entry in ClinVar:

NM_001849.4(COL6A2):c.1360G>A (p.Gly454Ser)

Gene: COL6A2 (collagen type VI alpha 2 chain; plus strand). Cytogenetic location: 21q22.3.
Variant type: single nucleotide variant.
Coding change: c.1360G>A on transcript NM_001849.4 (MANE Select); coding-DNA position 1360, G replaced by A.
Protein change: p.Gly454Ser; replaces glycine 454 with serine.
Molecular consequence: missense variant.
Genome position (GRCh38, 1-based): chr21:46,120,542, G>A. VCF-style: chr21-46120542-G-A. GRCh37 (hg19) VCF-style: chr21-47540456-G-A.
Other names: c.1360G>A, p.Gly454Ser (NM_058174.3, NM_058175.3); c.1360G>A (NM_001849.3); short protein forms G454S.
Identifiers: ClinVar variation 1045024 (VCV001045024.13), dbSNP rs1035908319, ClinGen allele CA321966698.
Genomic context (GRCh38, chr21:46,120,542, plus strand): 5'-GAGACCCGTGGGGCCTCCCTTCCCTTCCCACAGGGGGACCCTGGCCCTGAGGGGCCCCGC[G>A]GCCTGGCTGGAGAGGTTGGCAACAAAGGAGCCAAGGTAGGGGAGCAGGGTGGGCCGCACC-3'
Protein context (NP_001840.3, residues 444-464): KGDPGPEGPR[Gly454Ser]LAGEVGNKGA

ClinVar aggregate classification (germline): Conflicting classifications of pathogenicity. Review status: criteria provided, conflicting classifications (1 of 4 stars). 3 submissions from 3 submitters: Likely pathogenic (1); Uncertain significance (2). Last evaluated 2025-10-18.

Conditions:
Inborn genetic diseases. Identifiers: MedGen C0950123, MeSH D030342.
Bethlem myopathy 1A. Also called: Bethlem Muscular Dystrophy; MYOPATHY, BENIGN CONGENITAL, WITH CONTRACTURES; Bethlem myopathy 1. Identifiers: Orphanet 610, MedGen CN029274, MONDO:0024530, OMIM 158810.

Allele frequency attached by ClinVar (database versions not stated): gnomAD exomes 0.00005; TOPMed 0.00005; gnomAD 0.00005.
gnomAD v4.1: 40 of 1,478,130 alleles (0.0027%); highest among the groups gnomAD compares: African/African-American, 0.017%; no homozygotes.

Submissions (3):

Labcorp Genetics (formerly Invitae), Labcorp
Classification: Uncertain significance for Bethlem myopathy 1A. Last evaluated: 2025-10-18. Review status: criteria provided, single submitter. Criteria: Invitae Variant Classification Sherloc (09022015). Collection method: clinical testing. Allele origin: germline.
Comment: This sequence change replaces glycine, which is neutral and non-polar, with serine, which is neutral and polar, at codon 454 of the COL6A2 protein (p.Gly454Ser). This variant is present in population databases (no rsID available, gnomAD 0.02%). This variant has not been reported in the literature in individuals affected with COL6A2-related conditions. ClinVar contains an entry for this variant (Variation ID: 1045024). Invitae Evidence Modeling of protein sequence and biophysical properties (such as structural, functional, and spatial information, amino acid conservation, physicochemical variation, residue mobility, and thermodynamic stability) indicates that this missense variant is expected to disrupt COL6A2 protein function with a positive predictive value of 80%. This variant disrupts the triple helix domain of COL6A2. Glycine residues within the Gly-Xaa-Yaa repeats of the triple helix domain are required for the structure and stability of fibrillar collagens (PMID: 7695699, 8218237, 19344236). In COL6A2, missense variants at these glycine residues are significantly enriched in individuals with autosomal dominant disease (PMID: 15689448, 24038877) compared to the general population (ExAC). In summary, the available evidence is currently insufficient to determine the role of this variant in disease. Therefore, it has been classified as a Variant of Uncertain Significance.

Ambry Genetics
Classification: Uncertain significance for Inborn genetic diseases. Last evaluated: 2023-12-20. Review status: criteria provided, single submitter. Criteria: Ambry Variant Classification Scheme 2023. Collection method: clinical testing. Allele origin: germline.

Revvity Omics, Revvity
Classification: Likely pathogenic. Last evaluated: 2021-04-12. Review status: criteria provided, single submitter. Criteria: ACMG Guidelines, 2015. Collection method: clinical testing. Allele origin: germline.

Literature cited by the submitters: PubMed 7695699 (cited by Labcorp Genetics (formerly Invitae), Labcorp); PubMed 8218237 (cited by Labcorp Genetics (formerly Invitae), Labcorp); PubMed 19344236 (cited by Labcorp Genetics (formerly Invitae), Labcorp); PubMed 15689448 (cited by Labcorp Genetics (formerly Invitae), Labcorp); PubMed 24038877 (cited by Labcorp Genetics (formerly Invitae), Labcorp).